The following is an entry in ClinVar:

ClinVar aggregate classification (germline): Uncertain significance. Review status: criteria provided, multiple submitters, no conflicts (2 of 4 stars). 2 submissions from 2 submitters: Uncertain significance (2). Last evaluated 2025-05-09.

Conditions:
Benign neonatal seizures. Also called: Benign familial neonatal seizures; Convulsions benign familial neonatal dominant form; Autosomal dominant form of benign neonatal seizures; Benign neonatal familial convulsions; Benign familial neonatal epilepsy. Identifiers: Orphanet 1949, MedGen C0220669, MONDO:0016027.

Submissions (2):

GeneDx
Classification: Uncertain significance. Last evaluated: 2025-05-09. Review status: criteria provided, single submitter. Criteria: GeneDx Variant Classification Process June 2021. Collection method: clinical testing. Allele origin: germline.
Comment: Frameshift variant predicted to result in abnormal protein length as the last 179 amino acids are replaced with 11 different amino acids; Not observed at significant frequency in large population cohorts (gnomAD); Has not been previously published as pathogenic or benign to our knowledge

Labcorp Genetics (formerly Invitae), Labcorp
Classification: Uncertain significance for Benign neonatal seizures. Last evaluated: 2023-01-26. Review status: criteria provided, single submitter. Criteria: Invitae Variant Classification Sherloc (09022015). Collection method: clinical testing. Allele origin: germline.
Comment: This sequence change creates a premature translational stop signal (p.Glu694Glyfs*12) in the KCNQ3 gene. While this is not anticipated to result in nonsense mediated decay, it is expected to disrupt the last 179 amino acid(s) of the KCNQ3 protein. In summary, the available evidence is currently insufficient to determine the role of this variant in disease. Therefore, it has been classified as a Variant of Uncertain Significance. Experimental studies and prediction algorithms are not available or were not evaluated, and the functional significance of this variant is currently unknown. ClinVar contains an entry for this variant (Variation ID: 945911). This variant has not been reported in the literature in individuals affected with KCNQ3-related conditions. This variant is not present in population databases (gnomAD no frequency).

NM_004519.4(KCNQ3):c.2078dup (p.Glu694fs)

Gene: KCNQ3 (potassium voltage-gated channel subfamily Q member 3; minus strand). Cytogenetic location: 8q24.22.
Variant type: Duplication.
Coding change: c.2078dup on transcript NM_004519.4 (MANE Select); coding-DNA position 2078, one base duplicated (C; older notation c.2078dupC).
Protein change: p.Glu694fs; shifts the reading frame from glutamic acid 694.
Molecular consequence: frameshift variant.
Genome position (GRCh38, 1-based): chr8:132,129,803, G duplicated on the plus strand (C on the coding strand, the reverse complement: KCNQ3 is on the minus strand); the first of 6 consecutive G bases (chr8:132,129,803-132,129,808); duplicating any one gives the same sequence. VCF-style (leftmost placement, unchanged base first): chr8-132129802-C-CG. GRCh37 (hg19) VCF-style: chr8-133142049-C-CG.
Other names: c.1718dup, p.Glu574fs (NM_001204824.2); short protein forms E694fs, E574fs.
Identifiers: ClinVar variation 945911 (VCV000945911.9), dbSNP rs1824805595, ClinGen allele CA645559560.